The following is an entry in ClinVar:

NM_000548.5(TSC2):c.4387A>G (p.Ile1463Val)

Gene: TSC2 (TSC complex subunit 2; plus strand). Cytogenetic location: 16p13.3.
Variant type: single nucleotide variant.
Coding change: c.4387A>G on transcript NM_000548.5 (MANE Select); coding-DNA position 4387, A replaced by G.
Protein change: p.Ile1463Val; replaces isoleucine 1463 with valine.
Molecular consequence: missense variant.
Genome position (GRCh38, 1-based): chr16:2,084,609, A>G. VCF-style: chr16-2084609-A-G. GRCh37 (hg19) VCF-style: chr16-2134610-A-G.
Other names: c.4129A>G, p.Ile1377Val (NM_001406677.1); c.4075A>G, p.Ile1359Val (NM_001406678.1); c.4039A>G, p.Ile1347Val (NM_001406679.1); c.3787A>G, p.Ile1263Val (NM_001406680.1); c.3727A>G, p.Ile1243Val (NM_001406681.1); c.3718A>G, p.Ile1240Val (NM_001406682.1, NM_001406683.1); c.3715A>G, p.Ile1239Val (NM_001406684.1); c.3589A>G, p.Ile1197Val (NM_001406685.1, NM_001406686.1); and 26 more; short protein forms I1403V, I1420V, I862V, I949V, I1196V, I1197V, I1219V, I1239V.
Identifiers: ClinVar variation 2199537 (VCV002199537.5), dbSNP rs2544283195, ClinGen allele CA394301863.

ClinVar aggregate classification (germline): Uncertain significance. Review status: criteria provided, multiple submitters, no conflicts (2 of 4 stars). 2 submissions from 2 submitters: Uncertain significance (2). Last evaluated 2026-07-06.

Conditions:
Tuberous sclerosis 2 (TSC2). Identifiers: Orphanet 805, MedGen C1860707, MONDO:0013199, OMIM 613254.
Hereditary cancer-predisposing syndrome. Also called: Neoplastic Syndromes, Hereditary; Tumor predisposition; Hereditary neoplastic syndrome; Hereditary Cancer Syndrome. Identifiers: Orphanet 140162, MedGen C0027672, MeSH D009386, MONDO:0015356.

Allele frequency attached by ClinVar (database versions not stated): gnomAD exomes below 0.00001.
gnomAD v4.1: 4 of 1,602,716 alleles (0.00025%); highest among the groups gnomAD compares: South Asian, 0.0011%; no homozygotes.

Submissions (2):

Ambry Genetics
Classification: Uncertain significance for Hereditary cancer-predisposing syndrome. Last evaluated: 2026-07-06. Review status: criteria provided, single submitter. Criteria: Ambry Variant Classification Scheme 2023. Collection method: clinical testing. Allele origin: germline.
Comment: The p.I1463V variant (also known as c.4387A>G), located in coding exon 33 of the TSC2 gene, results from an A to G substitution at nucleotide position 4387. The isoleucine at codon 1463 is replaced by valine, an amino acid with highly similar properties. This amino acid position is conserved. In addition, this alteration is predicted to be deleterious by in silico analysis. Based on the available evidence, the clinical significance of this variant remains unclear.

Labcorp Genetics (formerly Invitae), Labcorp
Classification: Uncertain significance for Tuberous sclerosis 2. Last evaluated: 2022-04-12. Review status: criteria provided, single submitter. Criteria: Invitae Variant Classification Sherloc (09022015). Collection method: clinical testing. Allele origin: germline.
Comment: This sequence change replaces isoleucine, which is neutral and non-polar, with valine, which is neutral and non-polar, at codon 1463 of the TSC2 protein (p.Ile1463Val). This variant is not present in population databases (gnomAD no frequency). This variant has not been reported in the literature in individuals affected with TSC2-related conditions. Advanced modeling of protein sequence and biophysical properties (such as structural, functional, and spatial information, amino acid conservation, physicochemical variation, residue mobility, and thermodynamic stability) performed at Invitae indicates that this missense variant is not expected to disrupt TSC2 protein function. In summary, the available evidence is currently insufficient to determine the role of this variant in disease. Therefore, it has been classified as a Variant of Uncertain Significance.